The following is an entry in ClinVar:

ClinVar aggregate classification (germline): Uncertain significance (1 of 4 stars; one submission).

Conditions:
SEMA3C-related disorder. Also called: SEMA3C-related condition.

gnomAD v4.1: 4 of 1,613,590 alleles (0.00025%); highest among the groups gnomAD compares: Non-Finnish European, 0.00025%; no homozygotes.

Submission:

PreventionGenetics, part of Exact Sciences
Classification: Uncertain significance for SEMA3C-related condition. Last evaluated: 2025-04-16. Review status: criteria provided, single submitter. Criteria: ACMG Guidelines, 2015. Collection method: clinical testing. Allele origin: germline.
Comment: The SEMA3C c.1915A>G variant is predicted to result in the amino acid substitution p.Ile639Val. To our knowledge, this variant has not been reported in the literature or in a large population database (gnomAD), indicating this variant is rare. At this time, the clinical significance of this variant is uncertain due to the absence of conclusive functional and genetic evidence.

NM_006379.5(SEMA3C):c.1861A>G (p.Ile621Val)

Gene: SEMA3C (semaphorin 3C; minus strand). Cytogenetic location: 7q21.11.
Variant type: single nucleotide variant.
Coding change: c.1861A>G on transcript NM_006379.5 (MANE Select); coding-DNA position 1861, A replaced by G.
Protein change: p.Ile621Val; replaces isoleucine 621 with valine.
Molecular consequence: missense variant.
Genome position (GRCh38, 1-based): chr7:80,745,289, T>C on the plus strand (A>G on the coding strand, the complement: SEMA3C is on the minus strand). VCF-style: chr7-80745289-T-C. GRCh37 (hg19) VCF-style: chr7-80374605-T-C.
Other names: c.1915A>G, p.Ile639Val (NM_001350120.2); c.1687A>G, p.Ile563Val (NM_001350121.2); short protein forms I621V, I563V, I639V.
Identifiers: ClinVar variation 4990534 (VCV004990534.1).